The following is an entry in ClinVar:

ClinVar aggregate classification (germline): Likely benign. Review status: criteria provided, multiple submitters, no conflicts (2 of 4 stars). 4 submissions from 4 submitters: Likely benign (3). 1 of the submissions does not count toward it. Last evaluated 2026-02-10.

Conditions:
Usher syndrome type 1F (USH1F). Also called: USHER SYNDROME, TYPE IF. Identifiers: Orphanet 231169, Orphanet 886, MedGen C1865885, MONDO:0011186, OMIM 602083.
PCDH15-related disorder. Also called: PCDH15-related disorders; PCDH15-related condition.

Allele frequency attached by ClinVar (database versions not stated): gnomAD exomes 0.00004 and 0.00002; gnomAD 0.00007; ESP Exome Variant Server 0.00008; ExAC 0.00005; TOPMed 0.00011.
gnomAD v4.1: 46 of 1,613,942 alleles (0.0029%); highest among the groups gnomAD compares: Middle Eastern, 0.049%; no homozygotes.

Submissions (4):

PreventionGenetics, part of Exact Sciences
Classification: Likely benign for PCDH15-related condition. Last evaluated: 2026-02-10. Review status: criteria provided, single submitter. Criteria: ACMG Guidelines, 2015. Collection method: clinical testing. Allele origin: germline.
Comment: This variant is classified as likely benign based on ACMG/AMP sequence variant interpretation guidelines (Richards et al. 2015 PMID: 25741868, with internal and published modifications).

Labcorp Genetics (formerly Invitae), Labcorp
Classification: Likely benign. Last evaluated: 2026-01-28. Review status: criteria provided, single submitter. Criteria: Invitae Variant Classification Sherloc (09022015). Collection method: clinical testing. Allele origin: germline.

Blueprint Genetics
Classification: Likely benign. Last evaluated: 2024-06-11. Review status: criteria provided, single submitter. Criteria: ACMG Guidelines, 2015. Collection method: clinical testing. Allele origin: germline.

Natera, Inc.
Classification: Likely benign for Usher syndrome type 1F. Last evaluated: 2020-01-08. Review status: no assertion criteria provided. Collection method: clinical testing. Allele origin: germline. Not counted in ClinVar's aggregate classification.

NM_033056.4(PCDH15):c.4542A>G (p.Thr1514=)

Gene: PCDH15 (protocadherin related 15; minus strand). Cytogenetic location: 10q21.1.
Variant type: single nucleotide variant.
Coding change: c.4542A>G on transcript NM_033056.4 (MANE Plus Clinical); coding-DNA position 4542, A replaced by G.
Protein change: p.Thr1514=; no amino-acid change (threonine 1514 retained).
Molecular consequence: synonymous variant. On other transcripts: intron variant (8).
Genome position (GRCh38, 1-based): chr10:53,823,184, T>C on the plus strand (A>G on the coding strand, the complement: PCDH15 is on the minus strand). VCF-style: chr10-53823184-T-C. GRCh37 (hg19) VCF-style: chr10-55582944-T-C.
Other names: c.4563A>G, p.Thr1521= (NM_001142763.2); c.4548A>G, p.Thr1516= (NM_001142764.2); c.4335A>G, p.Thr1445= (NM_001142765.2); c.4533A>G, p.Thr1511= (NM_001142766.2); c.4422A>G, p.Thr1474= (NM_001142767.2); c.4482A>G, p.Thr1494= (NM_001142768.2); c.4473A>G, p.Thr1491= (NM_001142773.2); c.4476A>G, p.Thr1492= (NM_001354404.2); and 6 more.
Identifiers: ClinVar variation 729173 (VCV000729173.12), dbSNP rs369183721, ClinGen allele CA5505253.